The following is an entry in ClinVar:

ClinVar aggregate classification (germline): Uncertain significance (1 of 4 stars; one submission).

Submission:

GeneDx
Classification: Uncertain significance. Last evaluated: 2025-06-24. Review status: criteria provided, single submitter. Criteria: GeneDx Variant Classification Process June 2021. Collection method: clinical testing. Allele origin: germline. Affected: yes.
Comment: Not observed at significant frequency in large population cohorts (gnomAD); In silico analysis supports that this missense variant has a deleterious effect on protein structure/function; Has not been previously published as pathogenic or benign to our knowledge

NM_014927.5(CNKSR2):c.70G>C (p.Asp24His)

Gene: CNKSR2 (connector enhancer of kinase suppressor of Ras 2; plus strand). Cytogenetic location: Xp22.12.
Variant type: single nucleotide variant.
Coding change: c.70G>C on transcript NM_014927.5 (MANE Select); coding-DNA position 70, G replaced by C.
Protein change: p.Asp24His; replaces aspartic acid 24 with histidine.
Molecular consequence: missense variant.
Genome position (GRCh38, 1-based): chrX:21,426,502, G>C. VCF-style: chrX-21426502-G-C. GRCh37 (hg19) VCF-style: chrX-21444620-G-C.
Other names: c.70G>C, p.Asp24His (NM_001330770.2, NM_001330771.2, NM_001330772.2 and 4 more transcripts); short protein forms D24H.
Identifiers: ClinVar variation 4540343 (VCV004540343.1).